The following is an entry in ClinVar:

NM_000081.4(LYST):c.427A>C (p.Ser143Arg)

Gene: LYST (lysosomal trafficking regulator; minus strand). Cytogenetic location: 1q42.3.
Variant type: single nucleotide variant.
Coding change: c.427A>C on transcript NM_000081.4 (MANE Select); coding-DNA position 427, A replaced by C.
Protein change: p.Ser143Arg; replaces serine 143 with arginine.
Molecular consequence: missense variant.
Genome position (GRCh38, 1-based): chr1:235,810,391, T>G on the plus strand (A>C on the coding strand, the complement: LYST is on the minus strand). VCF-style: chr1-235810391-T-G. GRCh37 (hg19) VCF-style: chr1-235973691-T-G.
Other names: c.427A>C, p.Ser143Arg (NM_001301365.1); short protein forms S143R.
Identifiers: ClinVar variation 855313 (VCV000855313.7), dbSNP rs757912379, ClinGen allele CA1467632.

ClinVar aggregate classification (germline): Uncertain significance (1 of 4 stars; one submission).

Conditions:
Chédiak-Higashi syndrome (CHS). Also called: Chediak-Higashi Syndrome. Identifiers: Orphanet 167, MedGen C0007965, MONDO:0008963, OMIM 214500.

Allele frequency attached by ClinVar (database versions not stated): ExAC 0.00001.
gnomAD v4.1: 1 of 1,612,194 alleles (0.000062%); highest among the groups gnomAD compares: Admixed American, 0.0017%; no homozygotes.

Submission:

Labcorp Genetics (formerly Invitae), Labcorp
Classification: Uncertain significance for Chédiak-Higashi syndrome. Last evaluated: 2021-09-01. Review status: criteria provided, single submitter. Criteria: Invitae Variant Classification Sherloc (09022015). Collection method: clinical testing. Allele origin: germline.
Comment: This sequence change replaces serine with arginine at codon 143 of the LYST protein (p.Ser143Arg). The serine residue is weakly conserved and there is a moderate physicochemical difference between serine and arginine. This variant is present in population databases (rs757912379, ExAC 0.009%). This variant has not been reported in the literature in individuals affected with LYST-related conditions. Algorithms developed to predict the effect of missense changes on protein structure and function (SIFT, PolyPhen-2, Align-GVGD) all suggest that this variant is likely to be tolerated. In summary, the available evidence is currently insufficient to determine the role of this variant in disease. Therefore, it has been classified as a Variant of Uncertain Significance.